The following is an entry in ClinVar:

NM_004397.6(DDX6):c.335T>G (p.Phe112Cys)

Gene: DDX6 (DEAD-box helicase 6; minus strand). Cytogenetic location: 11q23.3.
Variant type: single nucleotide variant.
Coding change: c.335T>G on transcript NM_004397.6 (MANE Select); coding-DNA position 335, T replaced by G.
Protein change: p.Phe112Cys; replaces phenylalanine 112 with cysteine.
Molecular consequence: missense variant.
Genome position (GRCh38, 1-based): chr11:118,779,666, A>C on the plus strand (T>G on the coding strand, the complement: DDX6 is on the minus strand). VCF-style: chr11-118779666-A-C. GRCh37 (hg19) VCF-style: chr11-118650375-A-C.
Other names: c.335T>G, p.Phe112Cys (NM_001257191.3, NM_001425145.1, NM_001425146.1 and 7 more transcripts); c.11T>G, p.Phe4Cys (NM_001425154.1); short protein forms F112C, F4C.
Identifiers: ClinVar variation 4527558 (VCV004527558.1).

ClinVar aggregate classification (germline): Uncertain significance (1 of 4 stars; one submission).

Submission:

GeneDx
Classification: Uncertain significance. Last evaluated: 2025-04-23. Review status: criteria provided, single submitter. Criteria: GeneDx Variant Classification Process June 2021. Collection method: clinical testing. Allele origin: germline. Affected: yes.
Comment: Not observed at significant frequency in large population cohorts (gnomAD); In silico analysis supports that this missense variant has a deleterious effect on protein structure/function; Has not been previously published as pathogenic or benign to our knowledge